The following is an entry in ClinVar:

NM_024334.3(TMEM43):c.734A>T (p.Tyr245Phe)

Gene: TMEM43 (transmembrane protein 43; plus strand). Cytogenetic location: 3p25.1.
Variant type: single nucleotide variant.
Coding change: c.734A>T on transcript NM_024334.3 (MANE Select); coding-DNA position 734, A replaced by T.
Protein change: p.Tyr245Phe; replaces tyrosine 245 with phenylalanine.
Molecular consequence: missense variant. On other transcripts: intron variant (1).
Genome position (GRCh38, 1-based): chr3:14,135,186, A>T. VCF-style: chr3-14135186-A-T. GRCh37 (hg19) VCF-style: chr3-14176686-A-T.
Other names: c.737A>T, p.Tyr246Phe (NM_001407274.1); c.734A>T, p.Tyr245Phe (NM_001407275.1, NM_001407276.1, NM_001407277.1); c.719A>T, p.Tyr240Phe (NM_001407278.1); c.584A>T, p.Tyr195Phe (NM_001407280.1); c.705+295A>T (NM_001407279.1); short protein forms Y246F, Y240F, Y245F, Y195F.
Identifiers: ClinVar variation 3632512 (VCV003632512.2).

ClinVar aggregate classification (germline): Uncertain significance (1 of 4 stars; one submission).

Conditions:
Arrhythmogenic right ventricular dysplasia 5. Also called: Arrhythmogenic Right Ventricular Dysplasia/Cardiomyopathy 5; ARRHYTHMOGENIC RIGHT VENTRICULAR DYSPLASIA, FAMILIAL, 5. Identifiers: MedGen C1858379, MONDO:0011459, OMIM 604400.

Submission:

Labcorp Genetics (formerly Invitae), Labcorp
Classification: Uncertain significance for Arrhythmogenic right ventricular dysplasia 5. Last evaluated: 2024-09-06. Review status: criteria provided, single submitter. Criteria: Invitae Variant Classification Sherloc (09022015). Collection method: clinical testing. Allele origin: germline.
Comment: This sequence change replaces tyrosine, which is neutral and polar, with phenylalanine, which is neutral and non-polar, at codon 245 of the TMEM43 protein (p.Tyr245Phe). This variant is not present in population databases (gnomAD no frequency). This variant has not been reported in the literature in individuals affected with TMEM43-related conditions. Invitae Evidence Modeling of protein sequence and biophysical properties (such as structural, functional, and spatial information, amino acid conservation, physicochemical variation, residue mobility, and thermodynamic stability) indicates that this missense variant is not expected to disrupt TMEM43 protein function with a negative predictive value of 80%. In summary, the available evidence is currently insufficient to determine the role of this variant in disease. Therefore, it has been classified as a Variant of Uncertain Significance.